The following is an entry in ClinVar:

NM_000090.4(COL3A1):c.636+5_636+8del

Gene: COL3A1 (collagen type III alpha 1 chain; plus strand). Cytogenetic location: 2q32.2.
Variant type: Microsatellite.
Coding change: c.636+5_636+8del on transcript NM_000090.4 (MANE Select); bases 5 to 8 of the intron after coding-DNA position 636, 4 bases deleted (GTAA; older notation c.636+5_636+8delGTAA).
Molecular consequence: splice donor variant.
Genome position (GRCh38, 1-based): chr2:188,988,648-188,988,651, GTAA deleted; deleting any 4 consecutive bases within chr2:188,988,643-188,988,651 gives the same sequence; the c. name uses the placement nearest the transcript's 3' end. VCF-style (leftmost placement, unchanged base first): chr2-188988642-CAGTA-C. GRCh37 (hg19) VCF-style: chr2-189853368-CAGTA-C.
Identifiers: ClinVar variation 994416 (VCV000994416.8), dbSNP rs1688112903, ClinGen allele CA1315395827.

ClinVar aggregate classification (germline): Uncertain significance (1 of 4 stars; one submission).

Submission:

ARUP Laboratories, Molecular Genetics and Genomics, ARUP Laboratories
Classification: Uncertain significance. Last evaluated: 2019-09-13. Review status: criteria provided, single submitter. Criteria: ARUP Molecular Germline Variant Investigation Process. Collection method: clinical testing. Allele origin: germline.
Comment: The COL3A1 c.636+5_636+8delGTAA variant, to our knowledge, is not reported in the medical literature or gene-specific databases. This variant is also absent from general population databases (Exome Variant Server, Genome Aggregation Database), indicating it is not a common polymorphism. This is an intronic variant that deletes four conserved nucleotides near the splice donor site of intron 7, and computational analyses (Alamut v.2.11) predict that this variant may impact splicing by weakening this canonical donor splice site. Other variants that impact this splice donor site (c.636+1G>A and c.636+5G>A) have been reported in individuals with vascular-type Ehlers-Danlos syndrome and are considered disease-causing (Pepin 2014, Schwarze 1997), suggesting this splice site is functionally important. However, given the lack of clinical and functional data, the significance of the c.636+5_636+8delGTAA variant is uncertain at this time. References: Pepin MG et al. Survival is affected by mutation type and molecular mechanism in vascular Ehlers-Danlos syndrome (EDS type IV). Genet Med. 2014 Dec;16(12):881-8. Schwarze U et al. Splicing defects in the COL3A1 gene: marked preference for 5' (donor) spice-site mutations in patients with exon-skipping mutations and Ehlers-Danlos syndrome type IV. Am J Hum Genet. 1997 Dec;61(6):1276-86.